The following is an entry in ClinVar:

ClinVar aggregate classification (germline): Uncertain significance. Review status: criteria provided, multiple submitters, no conflicts (2 of 4 stars). 2 submissions from 2 submitters: Uncertain significance (2). Last evaluated 2025-12-08.

Conditions:
Inborn genetic diseases. Identifiers: MedGen C0950123, MeSH D030342.

Allele frequency attached by ClinVar (database versions not stated): gnomAD exomes below 0.00001; TOPMed 0.00002; ExAC 0.00003; gnomAD 0.00003.

Submissions (2):

Ambry Genetics
Classification: Uncertain significance for Inborn genetic diseases. Last evaluated: 2025-12-08. Review status: criteria provided, single submitter. Criteria: Ambry Variant Classification Scheme 2023. Collection method: clinical testing. Allele origin: germline.

Labcorp Genetics (formerly Invitae), Labcorp
Classification: Uncertain significance. Last evaluated: 2025-02-10. Review status: criteria provided, single submitter. Criteria: Invitae Variant Classification Sherloc (09022015). Collection method: clinical testing. Allele origin: germline.
Comment: This sequence change replaces arginine, which is basic and polar, with glutamine, which is neutral and polar, at codon 656 of the AP3D1 protein (p.Arg656Gln). The frequency data for this variant in the population databases is considered unreliable, as metrics indicate poor data quality at this position in the gnomAD database. This variant has not been reported in the literature in individuals affected with AP3D1-related conditions. ClinVar contains an entry for this variant (Variation ID: 2321794). An algorithm developed to predict the effect of missense changes on protein structure and function outputs the following: PolyPhen-2: "Benign". The glutamine amino acid residue is found in multiple mammalian species, which suggests that this missense change does not adversely affect protein function. In summary, the available evidence is currently insufficient to determine the role of this variant in disease. Therefore, it has been classified as a Variant of Uncertain Significance.

NM_001261826.3(AP3D1):c.1967G>A (p.Arg656Gln)

Gene: AP3D1 (adaptor related protein complex 3 subunit delta 1; minus strand). Cytogenetic location: 19p13.3.
Variant type: single nucleotide variant.
Coding change: c.1967G>A on transcript NM_001261826.3 (MANE Select); coding-DNA position 1967, G replaced by A.
Protein change: p.Arg656Gln; replaces arginine 656 with glutamine.
Molecular consequence: missense variant.
Genome position (GRCh38, 1-based): chr19:2,116,639, C>T on the plus strand (G>A on the coding strand, the complement: AP3D1 is on the minus strand). VCF-style: chr19-2116639-C-T. GRCh37 (hg19) VCF-style: chr19-2116638-C-T.
Other names: c.1967G>A, p.Arg656Gln (NM_001374799.1, NM_003938.8); short protein forms R656Q.
Identifiers: ClinVar variation 2321794 (VCV002321794.4), dbSNP rs770928209, ClinGen allele CA9059106.